The following is an entry in ClinVar:

ClinVar aggregate classification (germline): Uncertain significance. Review status: criteria provided, multiple submitters, no conflicts (2 of 4 stars). 2 submissions from 2 submitters: Uncertain significance (2). Last evaluated 2025-08-23.

Conditions:
Inborn genetic diseases. Identifiers: MedGen C0950123, MeSH D030342.
Hermansky-Pudlak syndrome 2 (HPS2). Also called: Platelet defects and oculocutaneous albinism. Identifiers: Orphanet 183678, Orphanet 79430, MedGen C1842362, MONDO:0011997, OMIM 608233.

gnomAD v4.1: 8 of 1,613,722 alleles (0.0005%); highest among the groups gnomAD compares: Non-Finnish European, 0.00068%; no homozygotes.

Submissions (2):

Ambry Genetics
Classification: Uncertain significance for Inborn genetic diseases. Last evaluated: 2025-08-23. Review status: criteria provided, single submitter. Criteria: Ambry Variant Classification Scheme 2023. Collection method: clinical testing. Allele origin: germline.

Labcorp Genetics (formerly Invitae), Labcorp
Classification: Uncertain significance for Hermansky-Pudlak syndrome 2. Last evaluated: 2022-05-08. Review status: criteria provided, single submitter. Criteria: Invitae Variant Classification Sherloc (09022015). Collection method: clinical testing. Allele origin: germline.
Comment: This sequence change replaces histidine, which is basic and polar, with leucine, which is neutral and non-polar, at codon 476 of the AP3B1 protein (p.His476Leu). This variant is present in population databases (rs577604377, gnomAD 0.003%). This variant has not been reported in the literature in individuals affected with AP3B1-related conditions. Algorithms developed to predict the effect of missense changes on protein structure and function are either unavailable or do not agree on the potential impact of this missense change (SIFT: "Deleterious"; PolyPhen-2: "Possibly Damaging"; Align-GVGD: "Class C0"). In summary, the available evidence is currently insufficient to determine the role of this variant in disease. Therefore, it has been classified as a Variant of Uncertain Significance.

NM_003664.5(AP3B1):c.1427A>T (p.His476Leu)

Gene: AP3B1 (adaptor related protein complex 3 subunit beta 1; minus strand). Cytogenetic location: 5q14.1.
Variant type: single nucleotide variant.
Coding change: c.1427A>T on transcript NM_003664.5 (MANE Select); coding-DNA position 1427, A replaced by T.
Protein change: p.His476Leu; replaces histidine 476 with leucine.
Molecular consequence: missense variant.
Genome position (GRCh38, 1-based): chr5:78,156,304, T>A on the plus strand (A>T on the coding strand, the complement: AP3B1 is on the minus strand). VCF-style: chr5-78156304-T-A. GRCh37 (hg19) VCF-style: chr5-77452128-T-A.
Other names: c.1427A>T (NM_003664.3); c.1280A>T, p.His427Leu (NM_001271769.2); c.1427A>T, p.His476Leu (NM_001410752.1); short protein forms H476L, H427L.
Identifiers: ClinVar variation 2058314 (VCV002058314.3), dbSNP rs577604377, ClinGen allele CA3317070.